The following is an entry in ClinVar:

NM_014806.5(RUSC2):c.3910A>G (p.Lys1304Glu)

Gene: RUSC2 (RUN and SH3 domain containing 2; plus strand). Cytogenetic location: 9p13.3.
Variant type: single nucleotide variant.
Coding change: c.3910A>G on transcript NM_014806.5 (MANE Select); coding-DNA position 3910, A replaced by G.
Protein change: p.Lys1304Glu; replaces lysine 1304 with glutamic acid.
Molecular consequence: missense variant. On other transcripts: non-coding transcript variant (1).
Genome position (GRCh38, 1-based): chr9:35,560,550, A>G. VCF-style: chr9-35560550-A-G. GRCh37 (hg19) VCF-style: chr9-35560547-A-G.
Other names: c.3910A>G, p.Lys1304Glu (NM_001135999.2); c.1276A>G, p.Lys426Glu (NM_001330740.2); short protein forms K426E, K1304E.
Identifiers: ClinVar variation 2003131 (VCV002003131.4), dbSNP rs2490417360, ClinGen allele CA373355597.

ClinVar aggregate classification (germline): Uncertain significance (1 of 4 stars; one submission).

Allele frequency attached by ClinVar (database versions not stated): gnomAD exomes below 0.00001.
gnomAD v4.1: 3 of 1,614,132 alleles (0.00019%); highest among the groups gnomAD compares: South Asian, 0.0022%; no homozygotes.

Submission:

Labcorp Genetics (formerly Invitae), Labcorp
Classification: Uncertain significance. Last evaluated: 2022-06-07. Review status: criteria provided, single submitter. Criteria: Invitae Variant Classification Sherloc (09022015). Collection method: clinical testing. Allele origin: germline.
Comment: Algorithms developed to predict the effect of missense changes on protein structure and function (SIFT, PolyPhen-2, Align-GVGD) all suggest that this variant is likely to be tolerated. In summary, the available evidence is currently insufficient to determine the role of this variant in disease. Therefore, it has been classified as a Variant of Uncertain Significance. This variant has not been reported in the literature in individuals affected with RUSC2-related conditions. This variant is not present in population databases (gnomAD no frequency). This sequence change replaces lysine, which is basic and polar, with glutamic acid, which is acidic and polar, at codon 1304 of the RUSC2 protein (p.Lys1304Glu).